The following is an entry in ClinVar:

NM_000127.3(EXT1):c.1776C>A (p.Tyr592Ter)

Gene: EXT1 (exostosin glycosyltransferase 1; minus strand). Cytogenetic location: 8q24.11.
Variant type: single nucleotide variant.
Coding change: c.1776C>A on transcript NM_000127.3 (MANE Select); coding-DNA position 1776, C replaced by A.
Protein change: p.Tyr592Ter; replaces tyrosine 592 with a stop codon.
Molecular consequence: nonsense.
Genome position (GRCh38, 1-based): chr8:117,807,324, G>T on the plus strand (C>A on the coding strand, the complement: EXT1 is on the minus strand). VCF-style: chr8-117807324-G-T. GRCh37 (hg19) VCF-style: chr8-118819563-G-T.
Other names: short protein forms Y592*.
Identifiers: ClinVar variation 854386 (VCV000854386.9), dbSNP rs1823254238, ClinGen allele CA371878424.

ClinVar aggregate classification (germline): Pathogenic (1 of 4 stars; one submission).

Conditions:
Multiple congenital exostosis (EXT). Also called: MULTIPLE CARTILAGINOUS EXOSTOSES; Hereditary multiple exostoses; Hereditary multiple exostosis; Multiple osteochondromas; Hereditary multiple osteochondromas; Multiple exostoses. Identifiers: Orphanet 321, MedGen C0015306, MONDO:0005508, HP:0002762.

Submission:

Labcorp Genetics (formerly Invitae), Labcorp
Classification: Pathogenic for Multiple congenital exostosis. Last evaluated: 2019-05-31. Review status: criteria provided, single submitter. Criteria: Invitae Variant Classification Sherloc (09022015). Collection method: clinical testing. Allele origin: germline.
Comment: For these reasons, this variant has been classified as Pathogenic. Loss-of-function variants in EXT1 are known to be pathogenic (PMID: 10679937, 11391482, 19810120). Algorithms developed to predict the effect of sequence changes on RNA splicing suggest that this variant may create or strengthen a splice site, but this prediction has not been confirmed by published transcriptional studies. This variant has been observed in individuals and in a family affected with multiple exostoses, and was observed to be de novo in at least one of these individuals (PMID: 11432960, 24120389, Invitae), This variant is not present in population databases (ExAC no frequency). This sequence change creates a premature translational stop signal (p.Tyr592*) in the EXT1 gene. It is expected to result in an absent or disrupted protein product.

Literature cited by the submitters: PubMed 10679937; PubMed 11391482; PubMed 19810120; PubMed 11432960; PubMed 24120389.